The following is an entry in ClinVar:

NM_000153.4(GALC):c.1034-314A>G

Gene: GALC (galactosylceramidase; minus strand). Cytogenetic location: 14q31.3.
Variant type: single nucleotide variant.
Coding change: c.1034-314A>G on transcript NM_000153.4 (MANE Select); 314 bases into the intron before coding-DNA position 1034, A replaced by G.
Molecular consequence: intron variant.
Genome position (GRCh38, 1-based): chr14:87,963,825, T>C on the plus strand (A>G on the coding strand, the complement: GALC is on the minus strand). VCF-style: chr14-87963825-T-C. GRCh37 (hg19) VCF-style: chr14-88430169-T-C.
Other names: c.956-314A>G (NM_001201402.2); c.965-314A>G (NM_001201401.2).
Identifiers: ClinVar variation 672029 (VCV000672029.1), dbSNP rs17687144, ClinGen allele CA264701443.

ClinVar aggregate classification (germline): Benign (1 of 4 stars; one submission).

Allele frequency attached by ClinVar (database versions not stated): 1000 Genomes Project 0.07927; 1000 Genomes Project 30x 0.08182; TOPMed 0.10653; gnomAD 0.11285 and 0.11413.
gnomAD v4.1: 17,173 of 152,056 alleles (11%); highest among the groups gnomAD compares: Non-Finnish European, 16%; 1,138 homozygotes.

Submission:

GeneDx
Classification: Benign. Last evaluated: 2018-06-19. Review status: criteria provided, single submitter. Criteria: GeneDx Variant Classification (06012015). Collection method: clinical testing. Allele origin: germline. Affected: yes.
Comment: This variant is considered likely benign or benign based on one or more of the following criteria: it is a conservative change, it occurs at a poorly conserved position in the protein, it is predicted to be benign by multiple in silico algorithms, and/or has population frequency not consistent with disease.